The following is an entry in ClinVar:

NM_002804.5(PSMC3):c.393G>A (p.Thr131=)

Gene: PSMC3 (proteasome 26S subunit, ATPase 3; minus strand). Cytogenetic location: 11p11.2.
Variant type: single nucleotide variant.
Coding change: c.393G>A on transcript NM_002804.5 (MANE Select); coding-DNA position 393, G replaced by A.
Protein change: p.Thr131=; no amino-acid change (threonine 131 retained).
Molecular consequence: synonymous variant.
Genome position (GRCh38, 1-based): chr11:47,424,489, C>T on the plus strand (G>A on the coding strand, the complement: PSMC3 is on the minus strand). VCF-style: chr11-47424489-C-T. GRCh37 (hg19) VCF-style: chr11-47446040-C-T.
Identifiers: ClinVar variation 3257036 (VCV003257036.17).

ClinVar aggregate classification (germline): Likely benign (1 of 4 stars; one submission).

Submission:

CeGaT Center for Human Genetics Tuebingen
Classification: Likely benign. Last evaluated: 2024-07-01. Review status: criteria provided, single submitter. Criteria: CeGaT Center For Human Genetics Tuebingen Variant Classification Criteria Version 2. Collection method: clinical testing. Allele origin: germline. Affected: yes. Observed: 1 variant allele.
Comment: PSMC3: BP4, BP7